The following is an entry in ClinVar:

NM_145207.3(AFG2A):c.1963C>G (p.Arg655Gly)

Gene: AFG2A (AAA ATPase AFG2A; plus strand). Cytogenetic location: 4q28.1.
Variant type: single nucleotide variant.
Coding change: c.1963C>G on transcript NM_145207.3 (MANE Select); coding-DNA position 1963, C replaced by G.
Protein change: p.Arg655Gly; replaces arginine 655 with glycine.
Molecular consequence: missense variant.
Genome position (GRCh38, 1-based): chr4:123,028,279, C>G. VCF-style: chr4-123028279-C-G. GRCh37 (hg19) VCF-style: chr4-123949434-C-G.
Other names: c.1960C>G, p.Arg654Gly (NM_001317799.2, NM_001345856.2); short protein forms R655G, R654G.
Identifiers: ClinVar variation 542388 (VCV000542388.5), dbSNP rs763737752, ClinGen allele CA358102547.

ClinVar aggregate classification (germline): Uncertain significance (1 of 4 stars; one submission).

Conditions:
Microcephaly-intellectual disability-sensorineural hearing loss-epilepsy-abnormal muscle tone syndrome (NEDHSB). Also called: NEURODEVELOPMENTAL DISORDER WITH HEARING LOSS, SEIZURES, AND BRAIN ABNORMALITIES. Identifiers: Orphanet 457351, MedGen C4225276, MONDO:0014698, OMIM 616577.

gnomAD v4.1: 1 of 1,614,114 alleles (0.000062%); highest among the groups gnomAD compares: Non-Finnish European, 0.000085%; no homozygotes.

Submission:

Labcorp Genetics (formerly Invitae), Labcorp
Classification: Uncertain significance for Microcephaly-intellectual disability-sensorineural hearing loss-epilepsy-abnormal muscle tone syndrome. Last evaluated: 2017-11-28. Review status: criteria provided, single submitter. Criteria: Invitae Variant Classification Sherloc (09022015). Collection method: clinical testing. Allele origin: germline.
Comment: In summary, the available evidence is currently insufficient to determine the role of this variant in disease. Therefore, it has been classified as a Variant of Uncertain Significance. Algorithms developed to predict the effect of missense changes on protein structure and function (SIFT, PolyPhen-2, Align-GVGD) all suggest that this variant is likely to be disruptive, but these predictions have not been confirmed by published functional studies and their clinical significance is uncertain. This variant has not been reported in the literature in individuals with SPATA5-related disease. This variant is not present in population databases (ExAC no frequency). This sequence change replaces arginine with glycine at codon 655 of the SPATA5 protein (p.Arg655Gly). The arginine residue is highly conserved and there is a moderate physicochemical difference between arginine and glycine.